The following is an entry in ClinVar:

NM_002160.4(TNC):c.2951-5C>T

Gene: TNC (tenascin C; minus strand). Cytogenetic location: 9q33.1.
Variant type: single nucleotide variant.
Coding change: c.2951-5C>T on transcript NM_002160.4 (MANE Select); 5 bases into the intron before coding-DNA position 2951, C replaced by T.
Molecular consequence: intron variant.
Genome position (GRCh38, 1-based): chr9:115,073,871, G>A on the plus strand (C>T on the coding strand, the complement: TNC is on the minus strand). VCF-style: chr9-115073871-G-A. GRCh37 (hg19) VCF-style: chr9-117836150-G-A.
Other names: c.2951-5C>T (NM_001439099.1, NM_001439096.1, NM_001439098.1 and 35 more transcripts).
Identifiers: ClinVar variation 4980577 (VCV004980577.1).

ClinVar aggregate classification (germline): Likely benign (1 of 4 stars; one submission).

Conditions:
TNC-related disorder. Also called: TNC-related condition.

gnomAD v4.1: 169 of 1,605,942 alleles (0.011%); highest among the groups gnomAD compares: Non-Finnish European, 0.014%; no homozygotes.

Submission:

PreventionGenetics, part of Exact Sciences
Classification: Likely benign for TNC-related condition. Last evaluated: 2024-12-02. Review status: criteria provided, single submitter. Criteria: ACMG Guidelines, 2015. Collection method: clinical testing. Allele origin: germline.
Comment: This variant is classified as likely benign based on ACMG/AMP sequence variant interpretation guidelines (Richards et al. 2015 PMID: 25741868, with internal and published modifications).